The following is an entry in ClinVar:

NM_033026.6(PCLO):c.4088C>T (p.Thr1363Met)

Gene: PCLO (piccolo presynaptic cytomatrix protein; minus strand). Cytogenetic location: 7q21.11.
Variant type: single nucleotide variant.
Coding change: c.4088C>T on transcript NM_033026.6 (MANE Select); coding-DNA position 4088, C replaced by T.
Protein change: p.Thr1363Met; replaces threonine 1363 with methionine.
Molecular consequence: missense variant.
Genome position (GRCh38, 1-based): chr7:82,956,865, G>A on the plus strand (C>T on the coding strand, the complement: PCLO is on the minus strand). VCF-style: chr7-82956865-G-A. GRCh37 (hg19) VCF-style: chr7-82586181-G-A.
Other names: c.4088C>T, p.Thr1363Met (NM_014510.3); short protein forms T1363M.
Identifiers: ClinVar variation 1363373 (VCV001363373.4), dbSNP rs370195239, ClinGen allele CA4320888.

ClinVar aggregate classification (germline): Uncertain significance (1 of 4 stars; one submission).

Allele frequency attached by ClinVar (database versions not stated): gnomAD 0.00001; ExAC 0.00002; gnomAD exomes 0.00002; TOPMed 0.00002.
gnomAD v4.1: 26 of 1,613,664 alleles (0.0016%); highest among the groups gnomAD compares: Admixed American, 0.0033%; no homozygotes.

Submission:

Labcorp Genetics (formerly Invitae), Labcorp
Classification: Uncertain significance. Last evaluated: 2022-07-05. Review status: criteria provided, single submitter. Criteria: Invitae Variant Classification Sherloc (09022015). Collection method: clinical testing. Allele origin: germline.
Comment: In summary, the available evidence is currently insufficient to determine the role of this variant in disease. Therefore, it has been classified as a Variant of Uncertain Significance. Algorithms developed to predict the effect of missense changes on protein structure and function are either unavailable or do not agree on the potential impact of this missense change (SIFT: "Deleterious"; PolyPhen-2: "Not Available"; Align-GVGD: "Class C0"). ClinVar contains an entry for this variant (Variation ID: 1363373). This variant has not been reported in the literature in individuals affected with PCLO-related conditions. This variant is present in population databases (rs370195239, gnomAD 0.006%). This sequence change replaces threonine, which is neutral and polar, with methionine, which is neutral and non-polar, at codon 1363 of the PCLO protein (p.Thr1363Met).